The following is an entry in ClinVar:

NC_000014.9:g.105909909A>C

Genes: IGH (immunoglobulin heavy locus; minus strand), IGHD1-7 (immunoglobulin heavy diversity 1-7; minus strand). Cytogenetic location: 14q32.33.
Variant type: single nucleotide variant.
Genome position: GRCh38 VCF-style: chr14-105909909-A-C. GRCh37 (hg19) VCF-style: chr14-106375768-A-C.
Identifiers: ClinVar variation 2644929 (VCV002644929.23), dbSNP rs537590207, ClinGen allele CA703573210.

ClinVar aggregate classification (germline): Likely benign (1 of 4 stars; one submission).

Submission:

CeGaT Center for Human Genetics Tuebingen
Classification: Likely benign. Last evaluated: 2022-12-01. Review status: criteria provided, single submitter. Criteria: CeGaT Center For Human Genetics Tuebingen Variant Classification Criteria Version 2. Collection method: clinical testing. Allele origin: germline. Affected: yes. Observed: 1 variant allele.
Comment: ENSG00000288730: BS2